The following is an entry in ClinVar:

NM_000038.6(APC):c.5166T>C (p.Asp1722=)

Gene: APC (APC regulator of Wnt signaling pathway; plus strand). Cytogenetic location: 5q22.2.
Variant type: single nucleotide variant.
Coding change: c.5166T>C on transcript NM_000038.6 (MANE Select); coding-DNA position 5166, T replaced by C.
Protein change: p.Asp1722=; no amino-acid change (aspartic acid 1722 retained).
Molecular consequence: synonymous variant. On other transcripts: non-coding transcript variant (2).
Genome position (GRCh38, 1-based): chr5:112,840,760, T>C. VCF-style: chr5-112840760-T-C. GRCh37 (hg19) VCF-style: chr5-112176457-T-C.
Other names: c.5166T>C, p.Asp1722= (NM_001407450.1, NM_001127510.3, NM_001354895.2); c.5136T>C, p.Asp1712= (NM_001407452.1); c.5145T>C, p.Asp1715= (NM_001407451.1); c.4989T>C, p.Asp1663= (NM_001407453.1, NM_001354901.2); c.4917T>C, p.Asp1639= (NM_001407454.1, NM_001407455.1, NM_001407456.1 and 1 more transcripts); c.4863T>C, p.Asp1621= (NM_001407458.1, NM_001407459.1, NM_001407460.1 and 1 more transcripts); c.4779T>C, p.Asp1593= (NM_001407467.1, NM_001407469.1); c.5112T>C, p.Asp1704= (NM_001127511.3); and 11 more.
Identifiers: ClinVar variation 3254459 (VCV003254459.1), dbSNP rs2149933656.

ClinVar aggregate classification (germline): Benign (1 of 4 stars; one submission).

Conditions:
Familial adenomatous polyposis 1 (FAP1). Also called: FAMILIAL ADENOMATOUS POLYPOSIS 1, ATTENUATED; POLYPOSIS, ADENOMATOUS INTESTINAL. Identifiers: MedGen C2713442, MONDO:0021056, OMIM 175100. Disease mechanism: loss of function.

Submission:

Myriad Genetics, Inc.
Classification: Benign for Familial adenomatous polyposis 1. Last evaluated: 2024-04-01. Review status: criteria provided, single submitter. Criteria: Myriad Autosomal Dominant, Autosomal Recessive and X-Linked Classification Criteria (2023). Collection method: clinical testing. Allele origin: unknown.
Comment: This variant is considered benign. This variant is a silent/synonymous amino acid change and it is not expected to impact splicing.